The following is an entry in ClinVar:

NM_015158.5(KANK1):c.3608C>T (p.Ala1203Val)

Gene: KANK1 (KN motif and ankyrin repeat domains 1; plus strand). Cytogenetic location: 9p24.3.
Variant type: single nucleotide variant.
Coding change: c.3608C>T on transcript NM_015158.5 (MANE Select); coding-DNA position 3608, C replaced by T.
Protein change: p.Ala1203Val; replaces alanine 1203 with valine.
Molecular consequence: missense variant. On other transcripts: non-coding transcript variant (1).
Genome position (GRCh38, 1-based): chr9:740,846, C>T. VCF-style: chr9-740846-C-T. GRCh37 (hg19) VCF-style: chr9-740846-C-T.
Other names: c.3608C>T, p.Ala1203Val (NM_001256876.3, NM_001256877.3, NM_001354334.2); c.3368C>T, p.Ala1123Val (NM_001354331.2); c.3554C>T, p.Ala1185Val (NM_001354332.2); c.3134C>T, p.Ala1045Val (NM_001354333.2, NM_001354335.2, NM_001354337.2 and 2 more transcripts); c.2840C>T, p.Ala947Val (NM_001354336.2); c.3080C>T, p.Ala1027Val (NM_001354338.2, NM_001354340.2, NM_001354344.2); c.2894C>T, p.Ala965Val (NM_001354339.2, NM_001354342.2, NM_001354343.2); short protein forms A1185V, A1045V, A1123V, A1027V, A947V, A1203V, A965V.
Identifiers: ClinVar variation 1408868 (VCV001408868.7), dbSNP rs375800988, ClinGen allele CA4961060.
Genomic context (GRCh38, chr9:740,846, plus strand): 5'-TTACAGATGTGTGTAATGTGGATCACCAGAACAAGGCAGGCTACACCCCCATCATGTTGG[C>T]GGCCCTCGCCGCTGTGGAAGCAGAGAAGGACATGCGGATTGTGGAAGAACTCTTCGGCTG-3'
Protein context (NP_055973.2, residues 1193-1213): NKAGYTPIML[Ala1203Val]ALAAVEAEKD

ClinVar aggregate classification (germline): Uncertain significance. Review status: criteria provided, multiple submitters, no conflicts (2 of 4 stars). 2 submissions from 2 submitters: Uncertain significance (2). Last evaluated 2026-01-12.

Conditions:
Cerebral palsy, spastic quadriplegic, 2 (CPSQ2). Identifiers: Orphanet 210141, MedGen C2752061, MONDO:0013033, OMIM 612900.

Allele frequency attached by ClinVar (database versions not stated): ExAC 0.00002; gnomAD exomes 0.00003; TOPMed 0.00003; gnomAD 0.00004 and 0.00005; ESP Exome Variant Server 0.00008.
gnomAD v4.1: 59 of 1,613,290 alleles (0.0037%); highest among the groups gnomAD compares: East Asian, 0.0067%; no homozygotes.

Submissions (2):

Labcorp Genetics (formerly Invitae), Labcorp
Classification: Uncertain significance. Last evaluated: 2026-01-12. Review status: criteria provided, single submitter. Criteria: Invitae Variant Classification Sherloc (09022015). Collection method: clinical testing. Allele origin: germline.
Comment: This sequence change replaces alanine, which is neutral and non-polar, with valine, which is neutral and non-polar, at codon 1203 of the KANK1 protein (p.Ala1203Val). The frequency data for this variant in the population databases is considered unreliable, as metrics indicate poor data quality at this position in the gnomAD database. This variant has not been reported in the literature in individuals affected with KANK1-related conditions. ClinVar contains an entry for this variant (Variation ID: 1408868). Invitae Evidence Modeling of protein sequence and biophysical properties (such as structural, functional, and spatial information, amino acid conservation, physicochemical variation, residue mobility, and thermodynamic stability) has been performed for this missense variant. However, the output from this modeling did not meet the statistical confidence thresholds required to predict the impact of this variant on KANK1 protein function. In summary, the available evidence is currently insufficient to determine the role of this variant in disease. Therefore, it has been classified as a Variant of Uncertain Significance.

Fulgent Genetics
Classification: Uncertain significance for Cerebral palsy, spastic quadriplegic, 2. Last evaluated: 2021-08-02. Review status: criteria provided, single submitter. Criteria: ACMG Guidelines, 2015. Collection method: clinical testing. Allele origin: unknown.